The following is an entry in ClinVar:

ClinVar aggregate classification (germline): Pathogenic (1 of 4 stars; one submission).

Conditions:
Primary ciliary dyskinesia 3. Identifiers: Orphanet 244, MedGen C1837618, MONDO:0012085, OMIM 608644.

Submission:

Myriad Genetics, Inc.
Classification: Pathogenic for Primary ciliary dyskinesia 3. Last evaluated: 2024-07-22. Review status: criteria provided, single submitter. Criteria: Myriad Autosomal Dominant, Autosomal Recessive and X-Linked Classification Criteria (2023). Collection method: clinical testing. Allele origin: unknown.
Comment: NM_001369.2(DNAH5):c.11732dupA(H3912Afs*2) is expected to be pathogenic in the context of primary ciliary dyskinesia, DNAH5-related. This variant is predicted to lead to an abnormal or absent protein product due to the creation of a premature termination codon in DNAH5, a gene where loss-of-function variants are known to be pathogenic. Please note: this variant was assessed in the context of healthy population screening.

NM_001369.3(DNAH5):c.11732dup (p.His3912fs)

Gene: DNAH5 (dynein axonemal heavy chain 5; minus strand). Cytogenetic location: 5p15.2.
Variant type: Duplication.
Coding change: c.11732dup on transcript NM_001369.3 (MANE Select); coding-DNA position 11732, one base duplicated (A; older notation c.11732dupA).
Protein change: p.His3912fs; shifts the reading frame from histidine 3912.
Molecular consequence: frameshift variant.
Genome position (GRCh38, 1-based): chr5:13,735,160, T duplicated on the plus strand (A on the coding strand, the reverse complement: DNAH5 is on the minus strand); the first of 2 consecutive T bases (chr5:13,735,160-13,735,161); duplicating either gives the same sequence. VCF-style (leftmost placement, unchanged base first): chr5-13735159-C-CT. GRCh37 (hg19) VCF-style: chr5-13735268-C-CT.
Other names: short protein forms H3912fs.
Identifiers: ClinVar variation 5013343 (VCV005013343.1).
Genomic context (GRCh38, chr5:13,735,159, plus strand): 5'-CTGTGCGCTATAGTCTCTATTCTTATATTGACCTTTAATAAGAGTGAGAAACTCTTCATG[C>CT]TTGACTCGGTTCCTCTGGATGTCAATCTTTAGGGTAAGCAACAAGGTGAACAGGAATTTG-3'